The following is an entry in ClinVar:

NM_001085487.3(MYSM1):c.1664C>T (p.Ser555Leu)

Gene: MYSM1 (Myb like, SWIRM and MPN domains 1; minus strand). Cytogenetic location: 1p32.1.
Variant type: single nucleotide variant.
Coding change: c.1664C>T on transcript NM_001085487.3 (MANE Select); coding-DNA position 1664, C replaced by T.
Protein change: p.Ser555Leu; replaces serine 555 with leucine.
Molecular consequence: missense variant.
Genome position (GRCh38, 1-based): chr1:58,669,036, G>A on the plus strand (C>T on the coding strand, the complement: MYSM1 is on the minus strand). VCF-style: chr1-58669036-G-A. GRCh37 (hg19) VCF-style: chr1-59134708-G-A.
Other names: c.1664C>T (NM_001085487.2); short protein forms S555L.
Identifiers: ClinVar variation 1167740 (VCV001167740.14), dbSNP rs186559420, ClinGen allele CA877719.

ClinVar aggregate classification (germline): Conflicting classifications of pathogenicity. Review status: criteria provided, conflicting classifications (1 of 4 stars). 5 submissions from 5 submitters: Uncertain significance (1); Benign (2); Likely benign (1). 1 of the submissions does not count toward it. Last evaluated 2025-12-10.

Conditions:
MYSM1-related disorder. Also called: MYSM1-related condition.
Inborn genetic diseases. Identifiers: MedGen C0950123, MeSH D030342.

Allele frequency attached by ClinVar (database versions not stated): gnomAD exomes 0.00017 and 0.00049; ExAC 0.00082; 1000 Genomes Project 0.00140; 1000 Genomes Project 30x 0.00156; gnomAD 0.00191 and 0.00212; TOPMed 0.00209; ESP Exome Variant Server 0.00247.
gnomAD v4.1: 540 of 1,583,300 alleles (0.034%); highest among the groups gnomAD compares: African/African-American, 0.67%; 2 homozygotes.

Submissions (5):

Labcorp Genetics (formerly Invitae), Labcorp
Classification: Benign. Last evaluated: 2025-12-10. Review status: criteria provided, single submitter. Criteria: Invitae Variant Classification Sherloc (09022015). Collection method: clinical testing. Allele origin: germline.

Ambry Genetics
Classification: Uncertain significance for Inborn genetic diseases. Last evaluated: 2024-11-29. Review status: criteria provided, single submitter. Criteria: Ambry Variant Classification Scheme 2023. Collection method: clinical testing. Allele origin: germline.

Blueprint Genetics
Classification: Likely benign. Last evaluated: 2024-10-30. Review status: criteria provided, single submitter. Criteria: ACMG Guidelines, 2015. Collection method: clinical testing. Allele origin: germline.

Breakthrough Genomics
Classification: Benign. Review status: criteria provided, single submitter. Criteria: ACMG Guidelines, 2015. Collection method: not provided. Allele origin: germline. Inheritance: Autosomal recessive inheritance. Affected: yes.

PreventionGenetics, part of Exact Sciences
Classification: Likely benign for MYSM1-related condition. Last evaluated: 2024-02-10. Review status: no assertion criteria provided. Collection method: clinical testing. Allele origin: germline. Not counted in ClinVar's aggregate classification.
Comment: This variant is classified as likely benign based on ACMG/AMP sequence variant interpretation guidelines (Richards et al. 2015 PMID: 25741868, with internal and published modifications).